The following is an entry in ClinVar:

NM_001393769.1(MED12L):c.1358-20_1358-19insTAA

Gene: MED12L (mediator complex subunit 12L; plus strand). Cytogenetic location: 3q25.1.
Variant type: Insertion.
Coding change: c.1358-20_1358-19insTAA on transcript NM_001393769.1 (MANE Select); 20 bases into the intron before coding-DNA position 1358 through 19 bases into the intron before coding-DNA position 1358, TAA inserted.
Molecular consequence: intron variant.
Genome position: GRCh38 VCF-style: chr3-151165826-T-TTAA. GRCh37 (hg19) VCF-style: chr3-150883613-T-TTAA.
Other names: c.1358-20_1358-19insTAA (NM_053002.6).
Identifiers: ClinVar variation 4681408 (VCV004681408.5).
Genomic context (GRCh38, chr3:151,165,826, plus strand): 5'-CATAGAATGGTGATTTTGTACTGTGTTATAACTGTGTTATTTTTGGCCTCATTAACCACT[T>TTAA]GTTTAATTTCTGCCTATAGGGGTGACTATTAGTCGGGTTTTGCACACGTTGGAAGTTTTG-3'

ClinVar aggregate classification (germline): Likely benign (1 of 4 stars; one submission).

Submission:

CeGaT Center for Human Genetics Tuebingen
Classification: Likely benign. Last evaluated: 2025-12-01. Review status: criteria provided, single submitter. Criteria: CeGaT Center For Human Genetics Tuebingen Variant Classification Criteria Version 2. Collection method: clinical testing. Allele origin: germline. Affected: yes. Observed: 1 variant allele.
Comment: MED12L: BS1